The following is an entry in ClinVar:

ClinVar aggregate classification (germline): Uncertain significance (1 of 4 stars; one submission).

Conditions:
Glycogen storage disease type III (GSD3). Also called: Cori disease; FORBES DISEASE. Identifiers: Orphanet 366, MedGen C0017922, MONDO:0009291, OMIM 232400.

Allele frequency attached by ClinVar (database versions not stated): gnomAD exomes below 0.00001; ExAC 0.00001; gnomAD 0.00001; TOPMed 0.00001; ESP Exome Variant Server 0.00008.
gnomAD v4.1: 3 of 1,613,824 alleles (0.00019%); highest among the groups gnomAD compares: African/African-American, 0.0027%; no homozygotes.

Submission:

Labcorp Genetics (formerly Invitae), Labcorp
Classification: Uncertain significance for Glycogen storage disease type III. Last evaluated: 2024-02-17. Review status: criteria provided, single submitter. Criteria: Invitae Variant Classification Sherloc (09022015). Collection method: clinical testing. Allele origin: germline.
Comment: This sequence change replaces glutamic acid, which is acidic and polar, with glycine, which is neutral and non-polar, at codon 1395 of the AGL protein (p.Glu1395Gly). This variant is not present in population databases (gnomAD no frequency). This variant has not been reported in the literature in individuals affected with AGL-related conditions. ClinVar contains an entry for this variant (Variation ID: 1384385). Advanced modeling of protein sequence and biophysical properties (such as structural, functional, and spatial information, amino acid conservation, physicochemical variation, residue mobility, and thermodynamic stability) performed at Invitae indicates that this missense variant is not expected to disrupt AGL protein function with a negative predictive value of 80%. In summary, the available evidence is currently insufficient to determine the role of this variant in disease. Therefore, it has been classified as a Variant of Uncertain Significance.

NM_000642.3(AGL):c.4184A>G (p.Glu1395Gly)

Gene: AGL (amylo-alpha-1,6-glucosidase and 4-alpha-glucanotransferase; plus strand). Cytogenetic location: 1p21.2.
Variant type: single nucleotide variant.
Coding change: c.4184A>G on transcript NM_000642.3 (MANE Select); coding-DNA position 4184, A replaced by G.
Protein change: p.Glu1395Gly; replaces glutamic acid 1395 with glycine.
Molecular consequence: missense variant.
Genome position (GRCh38, 1-based): chr1:99,915,411, A>G. VCF-style: chr1-99915411-A-G. GRCh37 (hg19) VCF-style: chr1-100380967-A-G.
Other names: c.4184A>G, p.Glu1395Gly (NM_000028.3, NM_000643.3, NM_000644.3 and 1 more transcripts); c.4136A>G, p.Glu1379Gly (NM_000646.3); c.4163A>G, p.Glu1388Gly (NM_001425326.1); c.3983A>G, p.Glu1328Gly (NM_001425327.1); c.3980A>G, p.Glu1327Gly (NM_001425328.1); c.3845A>G, p.Glu1282Gly (NM_001425329.1); c.3806A>G, p.Glu1269Gly (NM_001425332.1); short protein forms E1379G, E1395G, E1269G, E1282G, E1327G, E1328G, E1388G.
Identifiers: ClinVar variation 1384385 (VCV001384385.4), dbSNP rs371446246, ClinGen allele CA967347.
Genomic context (GRCh38, chr1:99,915,411, plus strand): 5'-TCTTAAAAATTTGTATATTTGTTTTTGGCATTCACTAGGCCCCTGAGCTCTTTACTACAG[A>G]AAAAGCATGGAAAGCTTTGGAGATTGCAGAAAAAAAATTGCTTGGTCCCCTTGGCATGAA-3'
Protein context (NP_000633.2, residues 1385-1405): MVVAPELFTT[Glu1395Gly]KAWKALEIAE